The following is an entry in ClinVar:

ClinVar aggregate classification (germline): Conflicting classifications of pathogenicity. Review status: criteria provided, conflicting classifications (1 of 4 stars). 2 submissions from 2 submitters: Uncertain significance (1); Likely benign (1). Last evaluated 2022-10-07.

Allele frequency attached by ClinVar (database versions not stated): gnomAD exomes below 0.00001; TOPMed below 0.00001; gnomAD 0.00001.
gnomAD v4.1: 2 of 1,603,702 alleles (0.00012%); highest among the groups gnomAD compares: Non-Finnish European, 0.00017%; no homozygotes.

Submissions (2):

Labcorp Genetics (formerly Invitae), Labcorp
Classification: Uncertain significance. Last evaluated: 2022-10-07. Review status: criteria provided, single submitter. Criteria: Invitae Variant Classification Sherloc (09022015). Collection method: clinical testing. Allele origin: germline.
Comment: In summary, the available evidence is currently insufficient to determine the role of this variant in disease. Therefore, it has been classified as a Variant of Uncertain Significance. Variants that disrupt the consensus splice site are a relatively common cause of aberrant splicing (PMID: 17576681, 9536098). Algorithms developed to predict the effect of sequence changes on RNA splicing suggest that this variant is not likely to affect RNA splicing. This variant has not been reported in the literature in individuals affected with BICC1-related conditions. This variant is not present in population databases (gnomAD no frequency). This sequence change falls in intron 5 of the BICC1 gene. It does not directly change the encoded amino acid sequence of the BICC1 protein. It affects a nucleotide within the consensus splice site.

Blueprint Genetics
Classification: Likely benign. Last evaluated: 2022-09-08. Review status: criteria provided, single submitter. Criteria: ACMG Guidelines, 2015. Collection method: clinical testing. Allele origin: germline.

Literature cited by the submitters: PubMed 17576681 (cited by Labcorp Genetics (formerly Invitae), Labcorp); PubMed 9536098 (cited by Labcorp Genetics (formerly Invitae), Labcorp).

NM_001080512.3(BICC1):c.547-3T>C

Gene: BICC1 (BicC family RNA binding protein 1; plus strand). Cytogenetic location: 10q21.1.
Variant type: single nucleotide variant.
Coding change: c.547-3T>C on transcript NM_001080512.3 (MANE Select); 3 bases into the intron before coding-DNA position 547, T replaced by C.
Molecular consequence: intron variant.
Genome position (GRCh38, 1-based): chr10:58,788,367, T>C. VCF-style: chr10-58788367-T-C. GRCh37 (hg19) VCF-style: chr10-60548127-T-C.
Identifiers: ClinVar variation 1946532 (VCV001946532.6), dbSNP rs1564613739, ClinGen allele CA645545439.